The following is an entry in ClinVar:

NM_000038.6(APC):c.933+3A>G

Gene: APC (APC regulator of Wnt signaling pathway; plus strand). Cytogenetic location: 5q22.2.
Variant type: single nucleotide variant.
Coding change: c.933+3A>G on transcript NM_000038.6 (MANE Select); 3 bases into the intron after coding-DNA position 933, A replaced by G.
Molecular consequence: intron variant.
Genome position (GRCh38, 1-based): chr5:112,815,596, A>G. VCF-style: chr5-112815596-A-G. GRCh37 (hg19) VCF-style: chr5-112151293-A-G.
Other names: c.933+3A>G (NM_001354895.2, NM_001127510.3, NM_001354896.2 and 1 more transcripts); c.963+3A>G (NM_001354897.2, NM_001354902.2); c.879+3A>G (NM_001127511.3); c.858+3A>G (NM_001354898.2, NM_001354904.2); c.84+3A>G (NM_001354906.2); c.849+3A>G (NM_001354899.2); c.756+3A>G (NM_001354900.2, NM_001354901.2, NM_001354905.2).
Identifiers: ClinVar variation 1056805 (VCV001056805.8), dbSNP rs2149764205, ClinGen allele CA2499217445.
Genomic context (GRCh38, chr5:112,815,596, plus strand): 5'-GAGTTCTAGTAGCACACACTCTGCACCTCGAAGGCTGACAAGTCATCTGGGAACCAAGGT[A>G]ACAGAAGATTACAAACCCTGGTCACTAATGCCATGACTACTTTGCTAAGACATTCTTGGC-3'

ClinVar aggregate classification (germline): Uncertain significance (1 of 4 stars; one submission).

Conditions:
Familial adenomatous polyposis 1 (FAP1). Also called: FAMILIAL ADENOMATOUS POLYPOSIS 1, ATTENUATED; POLYPOSIS, ADENOMATOUS INTESTINAL. Identifiers: MedGen C2713442, MONDO:0021056, OMIM 175100. Disease mechanism: loss of function.

Submission:

Labcorp Genetics (formerly Invitae), Labcorp
Classification: Uncertain significance for Familial adenomatous polyposis 1. Last evaluated: 2025-08-13. Review status: criteria provided, single submitter. Criteria: Invitae Variant Classification Sherloc (09022015). Collection method: clinical testing. Allele origin: germline.
Comment: This sequence change falls in intron 9 of the APC gene. It does not directly change the encoded amino acid sequence of the APC protein. It affects a nucleotide within the consensus splice site. This variant is not present in population databases (gnomAD no frequency). This variant has not been reported in the literature in individuals affected with APC-related conditions. ClinVar contains an entry for this variant (Variation ID: 1056805). Variants that disrupt the consensus splice site are a relatively common cause of aberrant splicing (PMID: 17576681, 9536098). Algorithms developed to predict the effect of sequence changes on RNA splicing suggest that this variant may disrupt the consensus splice site. In summary, the available evidence is currently insufficient to determine the role of this variant in disease. Therefore, it has been classified as a Variant of Uncertain Significance.

Literature cited by the submitters: PubMed 17576681; PubMed 9536098.